The following is an entry in ClinVar:

ClinVar aggregate classification (germline): Benign/Likely benign. Review status: criteria provided, multiple submitters, no conflicts (2 of 4 stars). 2 submissions from 2 submitters: Benign (1); Likely benign (1). Last evaluated 2022-09-01.

Conditions:
Abetalipoproteinaemia (ABL). Also called: MTP DEFICIENCY; Abetalipoproteinemia; Abetalipoproteinemia neuropathy; Apolipoprotein B deficiency; Congenital betalipoprotein deficiency syndrome. Identifiers: Orphanet 14, MedGen C0000744, MONDO:0008692, OMIM 200100, HP:0008181.

Allele frequency attached by ClinVar (database versions not stated): 1000 Genomes Project 0.00399; 1000 Genomes Project 30x 0.00422; TOPMed 0.00721; gnomAD exomes 0.00768; gnomAD 0.00879 and 0.00885.
gnomAD v4.1: 1,389 of 160,112 alleles (0.87%); highest among the groups gnomAD compares: Non-Finnish European, 1.1%; 7 homozygotes.

Submissions (2):

CeGaT Center for Human Genetics Tuebingen
Classification: Benign. Last evaluated: 2022-09-01. Review status: criteria provided, single submitter. Criteria: CeGaT Center For Human Genetics Tuebingen Variant Classification Criteria Version 2. Collection method: clinical testing. Allele origin: germline. Affected: yes. Observed: 1 variant allele.
Comment: MTTP: BS1, BS2

Illumina Laboratory Services, Illumina
Classification: Likely benign for Abetalipoproteinaemia. Last evaluated: 2018-01-12. Review status: criteria provided, single submitter. Criteria: ICSL Variant Classification Criteria 13 December 2019. Collection method: clinical testing. Allele origin: germline.
Comment: This variant was observed in the ICSL laboratory as part of a predisposition screen in an ostensibly healthy population. It had not been previously curated by ICSL or reported in the Human Gene Mutation Database (HGMD: prior to June 1st, 2018), and was therefore a candidate for classification through an automated scoring system. Utilizing variant allele frequency, disease prevalence and penetrance estimates, and inheritance mode, an automated score was calculated to assess if this variant is too frequent to cause the disease. Based on the score and internal cut-off values, a variant classified as likely benign is not then subjected to further curation. The score for this variant resulted in a classification of likely benign for this disease.

NM_001386140.1(MTTP):c.*515G>A

Gene: MTTP (microsomal triglyceride transfer protein; plus strand). Cytogenetic location: 4q23.
Variant type: single nucleotide variant.
Coding change: c.*515G>A on transcript NM_001386140.1 (MANE Select); 515 bases downstream of the stop codon, G replaced by A.
Molecular consequence: 3 prime UTR variant.
Genome position (GRCh38, 1-based): chr4:99,623,363, G>A. VCF-style: chr4-99623363-G-A. GRCh37 (hg19) VCF-style: chr4-100544520-G-A.
Other names: c.*515G>A (NM_000253.4, NM_001300785.2).
Identifiers: ClinVar variation 902733 (VCV000902733.28), dbSNP rs116005476, ClinGen allele CA15302589.
Genomic context (GRCh38, chr4:99,623,363, plus strand): 5'-GTAAGACACAAACAAACCATTTTTTTTCTCTTTTTTTGGAGTTGGGGGCCCAGGGAGAAG[G>A]GACAAGACTTTTAAAAGACTTGTTAGCCAACTTCAAGAATTAATATTTATGTCTCTGTTA-3'